The following is an entry in ClinVar:

NM_003722.5(TP63):c.1964G>A (p.Arg655Gln)

Gene: TP63 (tumor protein p63; plus strand). Cytogenetic location: 3q28.
Variant type: single nucleotide variant.
Coding change: c.1964G>A on transcript NM_003722.5 (MANE Select); coding-DNA position 1964, G replaced by A.
Protein change: p.Arg655Gln; replaces arginine 655 with glutamine.
Molecular consequence: missense variant. On other transcripts: 3 prime UTR variant (6).
Genome position (GRCh38, 1-based): chr3:189,894,423, G>A. VCF-style: chr3-189894423-G-A. GRCh37 (hg19) VCF-style: chr3-189612212-G-A.
Other names: c.*192G>A (NM_001329145.2, NM_001329149.2, NM_001329150.2 and 1 more transcripts); c.1427G>A, p.Arg476Gln (NM_001329146.2); c.1952G>A, p.Arg651Gln (NM_001329148.2); c.1958G>A, p.Arg653Gln (NM_001329964.2); c.*202G>A (NM_001114978.2, NM_001114981.2); c.1682G>A, p.Arg561Gln (NM_001114980.2); short protein forms R476Q, R561Q, R655Q, R653Q, R651Q.
Identifiers: ClinVar variation 1961942 (VCV001961942.4), dbSNP rs764601563, ClinGen allele CA2752602.
Genomic context (GRCh38, chr3:189,894,423, plus strand): 5'-GTGAGCGTGTTATTGATGCTGTGCGATTCACCCTCCGCCAGACCATCTCTTTCCCACCCC[G>A]AGATGAGTGGAATGACTTCAACTTTGACATGGATGCTCGCCGCAATAAGCAACAGCGCAT-3'
Protein context (NP_003713.3, residues 645-665): TLRQTISFPP[Arg655Gln]DEWNDFNFDM

ClinVar aggregate classification (germline): Uncertain significance (1 of 4 stars; one submission).

Conditions:
TP63-Related Spectrum Disorders.

Allele frequency attached by ClinVar (database versions not stated): TOPMed below 0.00001; gnomAD 0.00001; gnomAD exomes 0.00001; ExAC 0.00002.

Submission:

Labcorp Genetics (formerly Invitae), Labcorp
Classification: Uncertain significance. Last evaluated: 2022-02-02. Review status: criteria provided, single submitter. Criteria: Invitae Variant Classification Sherloc (09022015). Collection method: clinical testing. Allele origin: germline.
Comment: In summary, the available evidence is currently insufficient to determine the role of this variant in disease. Therefore, it has been classified as a Variant of Uncertain Significance. Algorithms developed to predict the effect of missense changes on protein structure and function (SIFT, PolyPhen-2, Align-GVGD) all suggest that this variant is likely to be disruptive. This variant has not been reported in the literature in individuals affected with TP63-related conditions. This variant is present in population databases (rs764601563, gnomAD 0.003%). This sequence change replaces arginine, which is basic and polar, with glutamine, which is neutral and polar, at codon 655 of the TP63 protein (p.Arg655Gln).